The following is an entry in ClinVar:

ClinVar aggregate classification (germline): Uncertain significance. Review status: criteria provided, multiple submitters, no conflicts (2 of 4 stars). 2 submissions from 2 submitters: Uncertain significance (2). Last evaluated 2024-12-14.

gnomAD v4.1: 1 of 1,614,046 alleles (0.000062%); highest among the groups gnomAD compares: Non-Finnish European, 0.000085%; no homozygotes.

Submissions (2):

GeneDx
Classification: Uncertain significance. Last evaluated: 2024-12-14. Review status: criteria provided, single submitter. Criteria: GeneDx Variant Classification Process June 2021. Collection method: clinical testing. Allele origin: germline. Affected: yes.
Comment: Not observed at significant frequency in large population cohorts (gnomAD); In silico analysis indicates that this missense variant does not alter protein structure/function; Has not been previously published as pathogenic or benign to our knowledge.

Labcorp Genetics (formerly Invitae), Labcorp
Classification: Uncertain significance. Last evaluated: 2024-05-23. Review status: criteria provided, single submitter. Criteria: Invitae Variant Classification Sherloc (09022015). Collection method: clinical testing. Allele origin: germline.
Comment: This sequence change replaces arginine, which is basic and polar, with lysine, which is basic and polar, at codon 1367 of the SMARCA2 protein (p.Arg1367Lys). This variant is not present in population databases (gnomAD no frequency). This variant has not been reported in the literature in individuals affected with SMARCA2-related conditions. Advanced modeling of protein sequence and biophysical properties (such as structural, functional, and spatial information, amino acid conservation, physicochemical variation, residue mobility, and thermodynamic stability) performed at Invitae indicates that this missense variant is not expected to disrupt SMARCA2 protein function with a negative predictive value of 95%. In summary, the available evidence is currently insufficient to determine the role of this variant in disease. Therefore, it has been classified as a Variant of Uncertain Significance.

NM_003070.5(SMARCA2):c.4100G>A (p.Arg1367Lys)

Gene: SMARCA2 (SWI/SNF related BAF chromatin remodeling complex subunit ATPase 2; plus strand). Cytogenetic location: 9p24.3.
Variant type: single nucleotide variant.
Coding change: c.4100G>A on transcript NM_003070.5 (MANE Select); coding-DNA position 4100, G replaced by A.
Protein change: p.Arg1367Lys; replaces arginine 1367 with lysine.
Molecular consequence: missense variant.
Genome position (GRCh38, 1-based): chr9:2,161,804, G>A. VCF-style: chr9-2161804-G-A. GRCh37 (hg19) VCF-style: chr9-2161804-G-A.
Other names: c.4100G>A, p.Arg1367Lys (NM_001289396.2, NM_139045.4); c.3926G>A, p.Arg1309Lys (NM_001289397.2); c.128G>A, p.Arg43Lys (NM_001289398.2); c.212G>A, p.Arg71Lys (NM_001289399.2); c.218G>A, p.Arg73Lys (NM_001289400.2); c.4100G>A (NM_003070.3); short protein forms R1367K, R43K, R1309K, R73K, R71K.
Identifiers: ClinVar variation 3654461 (VCV003654461.3).
Genomic context (GRCh38, chr9:2,161,804, plus strand): 5'-AAAGACGAAGAAATGTGGATAAAGATCCTGCAAAAGAAGATGTGGAAAAAGCTAAGAAGA[G>A]AAGAGGCCGCCCTCCCGCTGAGAAACTGTCACCAAATCCCCCCAAACTGACAAAGCAGAT-3'
Protein context (NP_003061.3, residues 1357-1377): AKEDVEKAKK[Arg1367Lys]RGRPPAEKLS